The following is an entry in ClinVar:

ClinVar aggregate classification (germline): Uncertain significance (1 of 4 stars; one submission).

Conditions:
Accelerated tumor formation, susceptibility to (ACTFS). Identifiers: MedGen C3280690, OMIM 614401, MONDO:0013733.

Submission:

Labcorp Genetics (formerly Invitae), Labcorp
Classification: Uncertain significance for Accelerated tumor formation, susceptibility to. Last evaluated: 2024-09-19. Review status: criteria provided, single submitter. Criteria: Invitae Variant Classification Sherloc (09022015). Collection method: clinical testing. Allele origin: germline.
Comment: This variant, c.698_700del, results in the deletion of 1 amino acid(s) of the MDM2 protein (p.Gly233del), but otherwise preserves the integrity of the reading frame. The frequency data for this variant in the population databases is considered unreliable, as metrics indicate poor data quality at this position in the gnomAD database. This variant has not been reported in the literature in individuals affected with MDM2-related conditions. ClinVar contains an entry for this variant (Variation ID: 1371263). In summary, the available evidence is currently insufficient to determine the role of this variant in disease. Therefore, it has been classified as a Variant of Uncertain Significance.

NM_002392.6(MDM2):c.698_700del (p.Gly233del)

Gene: MDM2 (MDM2 proto-oncogene; plus strand). Cytogenetic location: 12q15.
Variant type: Deletion.
Coding change: c.698_700del on transcript NM_002392.6 (MANE Select); coding-DNA positions 698 to 700, 3 bases deleted (GTG; older notation c.698_700delGTG).
Protein change: p.Gly233del; deletes glycine 233.
Molecular consequence: inframe deletion. On other transcripts: splice donor variant (1).
Genome position (GRCh38, 1-based): chr12:68,835,842-68,835,844, GTG deleted; deleting any 3 consecutive bases within chr12:68,835,840-68,835,844 gives the same sequence; the c. name uses the placement nearest the transcript's 3' end. VCF-style (leftmost placement, unchanged base first): chr12-68835839-CTGG-C. GRCh37 (hg19) VCF-style: chr12-69229619-CTGG-C.
Other names: c.533_535del, p.Gly178del (NM_001145339.2); c.170_172del, p.Gly57del (NM_001145340.3, NM_001278462.2); c.680_682del, p.Gly227del (NM_001367990.1); c.680_681+1del (NM_001145337.3); short protein forms G233del, G57del, G178del, G227del.
Identifiers: ClinVar variation 1371263 (VCV001371263.7), dbSNP rs763055876, ClinGen allele CA6678758.